The following is an entry in ClinVar:

NM_000180.4(GUCY2D):c.889A>G (p.Asn297Asp)

Gene: GUCY2D (guanylate cyclase 2D, retinal; plus strand). Cytogenetic location: 17p13.1.
Variant type: single nucleotide variant.
Coding change: c.889A>G on transcript NM_000180.4 (MANE Select); coding-DNA position 889, A replaced by G.
Protein change: p.Asn297Asp; replaces asparagine 297 with aspartic acid.
Molecular consequence: missense variant.
Genome position (GRCh38, 1-based): chr17:8,004,019, A>G. VCF-style: chr17-8004019-A-G. GRCh37 (hg19) VCF-style: chr17-7907337-A-G.
Other names: short protein forms N297D.
Identifiers: ClinVar variation 3344710 (VCV003344710.1).

ClinVar aggregate classification (germline): Uncertain significance (0 of 4 stars; one submission).

Conditions:
GUCY2D-related disorder. Also called: GUCY2D-related condition.

Submission:

PreventionGenetics, part of Exact Sciences
Classification: Uncertain significance for GUCY2D-related condition. Last evaluated: 2024-09-28. Review status: no assertion criteria provided. Collection method: clinical testing. Allele origin: germline.
Comment: The GUCY2D c.889A>G variant is predicted to result in the amino acid substitution p.Asn297Asp. To our knowledge, this variant has not been reported in the literature or in a large population database, indicating this variant is rare. At this time, the clinical significance of this variant is uncertain due to the absence of conclusive functional and genetic evidence.